The following is an entry in ClinVar:

ClinVar aggregate classification (germline): Uncertain significance (1 of 4 stars; one submission).

gnomAD v4.1: 7 of 1,614,020 alleles (0.00043%); highest among the groups gnomAD compares: African/African-American, 0.0027%; no homozygotes.

Submission:

GeneDx
Classification: Uncertain significance. Last evaluated: 2024-06-24. Review status: criteria provided, single submitter. Criteria: GeneDx Variant Classification Process June 2021. Collection method: clinical testing. Allele origin: germline. Affected: yes.
Comment: Not observed at significant frequency in large population cohorts (gnomAD); In silico analysis indicates that this missense variant does not alter protein structure/function; Has not been previously published as pathogenic or benign to our knowledge

NM_206933.4(USH2A):c.8786C>T (p.Ala2929Val)

Gene: USH2A (usherin; minus strand). Cytogenetic location: 1q41.
Variant type: single nucleotide variant.
Coding change: c.8786C>T on transcript NM_206933.4 (MANE Select); coding-DNA position 8786, C replaced by T.
Protein change: p.Ala2929Val; replaces alanine 2929 with valine.
Molecular consequence: missense variant.
Genome position (GRCh38, 1-based): chr1:215,867,066, G>A on the plus strand (C>T on the coding strand, the complement: USH2A is on the minus strand). VCF-style: chr1-215867066-G-A. GRCh37 (hg19) VCF-style: chr1-216040408-G-A.
Other names: short protein forms A2929V.
Identifiers: ClinVar variation 3392767 (VCV003392767.1).